The following is an entry in ClinVar:

NM_004304.5(ALK):c.4247A>T (p.Lys1416Met)

Gene: ALK (ALK receptor tyrosine kinase; minus strand). Cytogenetic location: 2p23.2.
Variant type: single nucleotide variant.
Coding change: c.4247A>T on transcript NM_004304.5 (MANE Select); coding-DNA position 4247, A replaced by T.
Protein change: p.Lys1416Met; replaces lysine 1416 with methionine.
Molecular consequence: missense variant.
Genome position (GRCh38, 1-based): chr2:29,193,840, T>A on the plus strand (A>T on the coding strand, the complement: ALK is on the minus strand). VCF-style: chr2-29193840-T-A. GRCh37 (hg19) VCF-style: chr2-29416706-T-A.
Other names: c.1043A>T, p.Lys348Met (NM_001353765.2); c.4247A>T (NM_004304.4); short protein forms K348M, K1416M.
Identifiers: ClinVar variation 1374719 (VCV001374719.7), dbSNP rs1558604110, ClinGen allele CA346463083.
Genomic context (GRCh38, chr2:29,193,840, plus strand): 5'-CGCTCCTCCTCCCGTTTTGCCTGTTGAGAGACCAGGAGAGGAGGAACCCCCTCAGGGTCC[T>A]TGGGCCTCACAGGCACTTTCTCTTCCTCTTCCACAAGTGGACCATATTCTATCGGCAAAG-3'
Protein context (NP_004295.2, residues 1406-1426): EEEEKVPVRP[Lys1416Met]DPEGVPPLLV

ClinVar aggregate classification (germline): Uncertain significance. Review status: criteria provided, multiple submitters, no conflicts (2 of 4 stars). 2 submissions from 2 submitters: Uncertain significance (2). Last evaluated 2026-06-28.

Conditions:
Hereditary cancer-predisposing syndrome. Also called: Hereditary Cancer Syndrome; Neoplastic Syndromes, Hereditary; Hereditary neoplastic syndrome; Tumor predisposition. Identifiers: Orphanet 140162, MedGen C0027672, MeSH D009386, MONDO:0015356.
Neuroblastoma, susceptibility to, 3. Also called: ALK-Related Neuroblastic Tumor Susceptibility. Identifiers: Orphanet 635, MedGen C2751681, MONDO:0013083, OMIM 613014.

Submissions (2):

Ambry Genetics
Classification: Uncertain significance for Hereditary cancer-predisposing syndrome. Last evaluated: 2026-06-28. Review status: criteria provided, single submitter. Criteria: Ambry Variant Classification Scheme 2023. Collection method: clinical testing. Allele origin: germline.
Comment: The p.K1416M variant (also known as c.4247A>T), located in coding exon 29 of the ALK gene, results from an A to T substitution at nucleotide position 4247. The lysine at codon 1416 is replaced by methionine, an amino acid with similar properties. This amino acid position is conserved. In addition, this alteration is predicted to be tolerated by in silico analysis. Based on the available evidence, the clinical significance of this variant remains unclear.

Labcorp Genetics (formerly Invitae), Labcorp
Classification: Uncertain significance for Neuroblastoma, susceptibility to, 3. Last evaluated: 2023-07-07. Review status: criteria provided, single submitter. Criteria: Invitae Variant Classification Sherloc (09022015). Collection method: clinical testing. Allele origin: germline.
Comment: This sequence change replaces lysine, which is basic and polar, with methionine, which is neutral and non-polar, at codon 1416 of the ALK protein (p.Lys1416Met). This variant is not present in population databases (gnomAD no frequency). This variant has not been reported in the literature in individuals affected with ALK-related conditions. ClinVar contains an entry for this variant (Variation ID: 1374719). An algorithm developed to predict the effect of missense changes on protein structure and function (PolyPhen-2) suggests that this variant is likely to be tolerated. In summary, the available evidence is currently insufficient to determine the role of this variant in disease. Therefore, it has been classified as a Variant of Uncertain Significance.